The following is an entry in ClinVar:

ClinVar aggregate classification (germline): Uncertain significance (1 of 4 stars; one submission).

Submission:

Ambry Genetics
Classification: Uncertain significance. Last evaluated: 2022-03-01. Review status: criteria provided, single submitter. Criteria: Ambry Variant Classification Scheme 2023. Collection method: clinical testing. Allele origin: germline.
Comment: The p.Y974F variant (also known as c.2921A>T), located in coding exon 1 of the MLH3 gene, results from an A to T substitution at nucleotide position 2921. The tyrosine at codon 974 is replaced by phenylalanine, an amino acid with highly similar properties. This amino acid position is conserved. In addition, this alteration is predicted to be tolerated by in silico analysis. Since supporting evidence is limited at this time, the clinical significance of this alteration remains unclear.

NM_001040108.2(MLH3):c.2921A>T (p.Tyr974Phe)

Gene: MLH3 (mutL homolog 3; minus strand). Cytogenetic location: 14q24.3.
Variant type: single nucleotide variant.
Coding change: c.2921A>T on transcript NM_001040108.2 (MANE Select); coding-DNA position 2921, A replaced by T.
Protein change: p.Tyr974Phe; replaces tyrosine 974 with phenylalanine.
Molecular consequence: missense variant.
Genome position (GRCh38, 1-based): chr14:75,046,735, T>A on the plus strand (A>T on the coding strand, the complement: MLH3 is on the minus strand). VCF-style: chr14-75046735-T-A. GRCh37 (hg19) VCF-style: chr14-75513438-T-A.
Other names: c.2921A>T, p.Tyr974Phe (NM_014381.3); short protein forms Y974F.
Identifiers: ClinVar variation 1797717 (VCV001797717.2), dbSNP rs143316827, ClinGen allele CA390437507.